The following is an entry in ClinVar:

NC_000023.10:g.(?_31196029)_(31525590_?)del

Gene: DMD (dystrophin; minus strand). Cytogenetic location: Xp21.2-21.1.
Variant type: Deletion.
Identifiers: ClinVar variation 1455846 (VCV001455846.5).

ClinVar aggregate classification (germline): Pathogenic (1 of 4 stars; one submission).

Conditions:
Duchenne muscular dystrophy (DMD). Also called: Duchenne Muscular Dystrophy (DMD); MUSCULAR DYSTROPHY, PSEUDOHYPERTROPHIC PROGRESSIVE, DUCHENNE TYPE. Identifiers: Orphanet 98896, MedGen C0013264, MONDO:0010679, OMIM 310200.

Submission:

Labcorp Genetics (formerly Invitae), Labcorp
Classification: Pathogenic for Duchenne muscular dystrophy. Last evaluated: 2021-11-06. Review status: criteria provided, single submitter. Criteria: Invitae Variant Classification Sherloc (09022015). Collection method: clinical testing. Allele origin: germline.
Comment: For these reasons, this variant has been classified as Pathogenic. This variant has not been reported in the literature in individuals affected with DMD-related conditions. This variant is a gross deletion of the genomic region encompassing exon(s) 56-71 of the DMD gene. This deletion is out-of-frame, and is expected to create a premature termination codon and result in an absent or disrupted protein product. Loss-of-function variants in DMD are known to be pathogenic (PMID: 16770791, 25007885).

Literature cited by the submitters: PubMed 16770791; PubMed 25007885.